The following is an entry in ClinVar:

NM_000132.4(F8):c.6956C>G (p.Pro2319Arg)

Gene: F8 (coagulation factor VIII; minus strand). Cytogenetic location: Xq28.
Variant type: single nucleotide variant.
Coding change: c.6956C>G on transcript NM_000132.4 (MANE Select); coding-DNA position 6956, C replaced by G.
Protein change: p.Pro2319Arg; replaces proline 2319 with arginine.
Molecular consequence: missense variant.
Genome position (GRCh38, 1-based): chrX:154,837,697, G>C on the plus strand (C>G on the coding strand, the complement: F8 is on the minus strand). VCF-style: chrX-154837697-G-C. GRCh37 (hg19) VCF-style: chrX-154065972-G-C.
Other names: c.551C>G, p.Pro184Arg (NM_019863.3); short protein forms P184R, P2319R.
Identifiers: ClinVar variation 5004039 (VCV005004039.1).

ClinVar aggregate classification (germline): Likely pathogenic (1 of 4 stars; one submission).

Conditions:
Hereditary factor VIII deficiency disease (HEMA). Also called: HEMOPHILIA, CLASSIC; AUTOSOMAL HEMOPHILIA A; Hemophilia A; Hemophilia A, congenital; HEM A; Factor 8 deficiency, congenital. Identifiers: Orphanet 98878, MedGen C0019069, MONDO:0010602, OMIM 306700.

Submission:

Myriad Genetics, Inc.
Classification: Likely pathogenic for Hereditary factor VIII deficiency disease. Last evaluated: 2026-09-04. Review status: criteria provided, single submitter. Criteria: Myriad Autosomal Dominant, Autosomal Recessive and X-Linked Classification Criteria (2023). Collection method: clinical testing. Allele origin: unknown.
Comment: NM_000132.3(F8):c.6956C>G(P2319R) is a missense variant classified as likely pathogenic in the context of hemophilia A. P2319R has been observed in cases with relevant disease (PMID: 18217193, 20102490, 18217193, 21645180, 38455035, 29296726). Relevant functional assessments of this variant are not available in the literature. P2319R has not been observed in referenced population frequency databases. In summary, NM_000132.3(F8):c.6956C>G(P2319R) is a missense variant that has been observed more frequently in cases with the relevant disease than in healthy populations. Please note: this variant was assessed in the context of healthy population screening.

Literature cited by the submitters: PubMed 18217193; PubMed 20102490; PubMed 21645180; PubMed 29296726; PubMed 38455035.